The following is an entry in ClinVar:

NM_144596.4(TTC8):c.113A>G (p.Gln38Arg)

Gene: TTC8 (tetratricopeptide repeat domain 8; plus strand). Cytogenetic location: 14q31.3.
Variant type: single nucleotide variant.
Coding change: c.113A>G on transcript NM_144596.4 (MANE Select); coding-DNA position 113, A replaced by G.
Protein change: p.Gln38Arg; replaces glutamine 38 with arginine.
Molecular consequence: missense variant. On other transcripts: 5 prime UTR variant (2), non-coding transcript variant (1).
Genome position (GRCh38, 1-based): chr14:88,824,820, A>G. VCF-style: chr14-88824820-A-G. GRCh37 (hg19) VCF-style: chr14-89291164-A-G.
Other names: c.113A>G, p.Gln38Arg (NM_001288781.1, NM_001366535.2, NM_001366536.2 and 2 more transcripts); c.-450A>G (NM_001288782.1); c.-545A>G (NM_001288783.1); c.113A>G (NM_144596.3); short protein forms Q38R.
Identifiers: ClinVar variation 970324 (VCV000970324.11), dbSNP rs1224545398, ClinGen allele CA390568043.
Genomic context (GRCh38, chr14:88,824,820, plus strand): 5'-GGAAGTTCCAGCTCTGCGCCGATCTATGCACGCAGATGCTGGAGAAGTCCCCTTATGACC[A>G]GGTACCGGCCAGCTCCCGTCAGCCTGTGCATCCTGACGCTGAGGCTGCGGGGTCTGGGGC-3'
Protein context (NP_653197.2, residues 28-48): TQMLEKSPYD[Gln38Arg]EPDPELPVHQ

ClinVar aggregate classification (germline): Uncertain significance. Review status: criteria provided, multiple submitters, no conflicts (2 of 4 stars). 4 submissions from 4 submitters: Uncertain significance (3). 1 of the submissions does not count toward it. Last evaluated 2024-02-19.

Conditions:
Bardet-Biedl syndrome 8 (BBS8). Identifiers: Orphanet 110, MedGen C1859566, MONDO:0014436, OMIM 615985.
Retinitis pigmentosa 51 (RP51). Identifiers: Orphanet 791, MedGen C3150715, MONDO:0013274, OMIM 613464.
TTC8-related disorder. Also called: TTC8-related condition.
Bardet-Biedl syndrome (BBS). Identifiers: Orphanet 110, MedGen C0752166, MONDO:0015229.

Allele frequency attached by ClinVar (database versions not stated): TOPMed below 0.00001.
gnomAD v4.1: 2 of 1,611,950 alleles (0.00012%); highest among the groups gnomAD compares: Non-Finnish European, 0.00017%; no homozygotes.

Submissions (4):

Fulgent Genetics
Classification: Uncertain significance for Retinitis pigmentosa 51; Bardet-Biedl syndrome 8. Last evaluated: 2024-02-19. Review status: criteria provided, single submitter. Criteria: ACMG Guidelines, 2015. Collection method: clinical testing. Allele origin: germline.

Labcorp Genetics (formerly Invitae), Labcorp
Classification: Uncertain significance for Bardet-Biedl syndrome. Last evaluated: 2022-03-18. Review status: criteria provided, single submitter. Criteria: Invitae Variant Classification Sherloc (09022015). Collection method: clinical testing. Allele origin: germline.
Comment: ClinVar contains an entry for this variant (Variation ID: 970324). In summary, the available evidence is currently insufficient to determine the role of this variant in disease. Therefore, it has been classified as a Variant of Uncertain Significance. Algorithms developed to predict the effect of sequence changes on RNA splicing suggest that this variant may disrupt the consensus splice site. Algorithms developed to predict the effect of missense changes on protein structure and function are either unavailable or do not agree on the potential impact of this missense change (SIFT: "Deleterious"; PolyPhen-2: "Possibly Damaging"; Align-GVGD: "Class C0"). This variant has not been reported in the literature in individuals affected with TTC8-related conditions. This variant is not present in population databases (gnomAD no frequency). This sequence change replaces glutamine, which is neutral and polar, with arginine, which is basic and polar, at codon 38 of the TTC8 protein (p.Gln38Arg).

Blueprint Genetics
Classification: Uncertain significance. Last evaluated: 2021-05-26. Review status: criteria provided, single submitter. Criteria: ACMG Guidelines, 2015. Collection method: clinical testing. Allele origin: germline.

PreventionGenetics, part of Exact Sciences
Classification: Uncertain significance for TTC8-related condition. Last evaluated: 2024-07-24. Review status: no assertion criteria provided. Collection method: clinical testing. Allele origin: germline. Not counted in ClinVar's aggregate classification.
Comment: The TTC8 c.113A>G variant is predicted to result in the amino acid substitution p.Gln38Arg. To our knowledge, this variant has not been reported in the literature or in a large population database, indicating this variant is rare. At this time, the clinical significance of this variant is uncertain due to the absence of conclusive functional and genetic evidence.